The following is an entry in ClinVar:

NM_000038.6(APC):c.7460C>G (p.Ser2487Cys)

Gene: APC (APC regulator of Wnt signaling pathway; plus strand). Cytogenetic location: 5q22.2.
Variant type: single nucleotide variant.
Coding change: c.7460C>G on transcript NM_000038.6 (MANE Select); coding-DNA position 7460, C replaced by G.
Protein change: p.Ser2487Cys; replaces serine 2487 with cysteine.
Molecular consequence: missense variant. On other transcripts: non-coding transcript variant (2).
Genome position (GRCh38, 1-based): chr5:112,843,054, C>G. VCF-style: chr5-112843054-C-G. GRCh37 (hg19) VCF-style: chr5-112178751-C-G.
Other names: c.7460C>G, p.Ser2487Cys (NM_001127510.3, NM_001354895.2, NM_001407450.1); c.7406C>G, p.Ser2469Cys (NM_001127511.3); c.7514C>G, p.Ser2505Cys (NM_001354896.2, NM_001407447.1, NM_001407448.1 and 1 more transcripts); c.7490C>G, p.Ser2497Cys (NM_001354897.2); c.7385C>G, p.Ser2462Cys (NM_001354898.2); c.7376C>G, p.Ser2459Cys (NM_001354899.2); c.7337C>G, p.Ser2446Cys (NM_001354900.2); c.7283C>G, p.Ser2428Cys (NM_001354901.2, NM_001407453.1); and 11 more; short protein forms S2103C, S2204C, S2327C, S2358C, S2361C, S2386C, S2396C, S2404C.
Identifiers: ClinVar variation 3240016 (VCV003240016.2), dbSNP rs778636967.
Genomic context (GRCh38, chr5:112,843,054, plus strand): 5'-CATCATCTAGACCAGCTTCTCCCACTAGGTCCCAGGCACAAACTCCAGTTTTAAGTCCTT[C>G]CCTTCCTGATATGTCTCTATCCACACATTCGTCTGTTCAGGCTGGTGGATGGCGAAAACT-3'
Protein context (NP_000029.2, residues 2477-2497): SQAQTPVLSP[Ser2487Cys]LPDMSLSTHS

ClinVar aggregate classification (germline): Uncertain significance. Review status: criteria provided, multiple submitters, no conflicts (2 of 4 stars). 2 submissions from 2 submitters: Uncertain significance (2). Last evaluated 2026-01-10.

Conditions:
Familial adenomatous polyposis 1 (FAP1). Also called: POLYPOSIS, ADENOMATOUS INTESTINAL; FAMILIAL ADENOMATOUS POLYPOSIS 1, ATTENUATED. Identifiers: MedGen C2713442, MONDO:0021056, OMIM 175100. Disease mechanism: loss of function.

Submissions (2):

Labcorp Genetics (formerly Invitae), Labcorp
Classification: Uncertain significance for Familial adenomatous polyposis 1. Last evaluated: 2026-01-10. Review status: criteria provided, single submitter. Criteria: Invitae Variant Classification Sherloc (09022015). Collection method: clinical testing. Allele origin: germline.
Comment: This sequence change replaces serine, which is neutral and polar, with cysteine, which is neutral and slightly polar, at codon 2487 of the APC protein (p.Ser2487Cys). This variant is not present in population databases (gnomAD no frequency). This variant has not been reported in the literature in individuals affected with APC-related conditions. ClinVar contains an entry for this variant (Variation ID: 3240016). Invitae Evidence Modeling of protein sequence and biophysical properties (such as structural, functional, and spatial information, amino acid conservation, physicochemical variation, residue mobility, and thermodynamic stability) indicates that this missense variant is not expected to disrupt APC protein function with a negative predictive value of 95%. In summary, the available evidence is currently insufficient to determine the role of this variant in disease. Therefore, it has been classified as a Variant of Uncertain Significance.

Baylor Genetics
Classification: Uncertain significance for Familial adenomatous polyposis 1. Last evaluated: 2024-02-03. Review status: criteria provided, single submitter. Criteria: ACMG Guidelines, 2015. Collection method: clinical testing. Allele origin: unknown.